The following is an entry in ClinVar:

NM_005909.5(MAP1B):c.2628C>T (p.Tyr876=)

Gene: MAP1B (microtubule associated protein 1B; plus strand). Cytogenetic location: 5q13.2.
Variant type: single nucleotide variant.
Coding change: c.2628C>T on transcript NM_005909.5 (MANE Select); coding-DNA position 2628, C replaced by T.
Protein change: p.Tyr876=; no amino-acid change (tyrosine 876 retained).
Molecular consequence: synonymous variant.
Genome position (GRCh38, 1-based): chr5:72,195,983, C>T. VCF-style: chr5-72195983-C-T. GRCh37 (hg19) VCF-style: chr5-71491810-C-T.
Other names: c.2250C>T, p.Tyr750= (NM_001324255.2).
Identifiers: ClinVar variation 708425 (VCV000708425.14), dbSNP rs78110997, ClinGen allele CA3298861.
Genomic context (GRCh38, chr5:72,195,983, plus strand): 5'-TCAGCTGGAGCTAATCGAAGACGAAGAGAAACTGAAGGAAACTGAGCCAGTCGAAGCCTA[C>T]GTCATCCAGAAGGAGAGAGAAGTCACCAAAGGTCCTGCCGAGTCCCCTGATGAGGGAATC-3'
Protein context (NP_005900.2, residues 866-886): KLKETEPVEA[Tyr876=]VIQKEREVTK

ClinVar aggregate classification (germline): Benign/Likely benign. Review status: criteria provided, multiple submitters, no conflicts (2 of 4 stars). 3 submissions from 3 submitters: Benign (1); Likely benign (1). 1 of the submissions does not count toward it. Last evaluated 2025-08-01.

Conditions:
MAP1B-related disorder. Also called: MAP1B-related condition.

Allele frequency attached by ClinVar (database versions not stated): gnomAD exomes 0.00031 and 0.00082; ExAC 0.00092; ESP Exome Variant Server 0.00254; gnomAD 0.00293 and 0.00314; TOPMed 0.00345; 1000 Genomes Project 0.00379; 1000 Genomes Project 30x 0.00390.
gnomAD v4.1: 908 of 1,614,186 alleles (0.056%); highest among the groups gnomAD compares: African/African-American, 1%; 7 homozygotes.

Submissions (3):

CeGaT Center for Human Genetics Tuebingen
Classification: Likely benign. Last evaluated: 2025-08-01. Review status: criteria provided, single submitter. Criteria: CeGaT Center For Human Genetics Tuebingen Variant Classification Criteria Version 2. Collection method: clinical testing. Allele origin: germline. Affected: yes. Observed: 1 variant allele.
Comment: MAP1B: BP4, BP7, BS1

Labcorp Genetics (formerly Invitae), Labcorp
Classification: Benign. Last evaluated: 2019-12-31. Review status: criteria provided, single submitter. Criteria: Invitae Variant Classification Sherloc (09022015). Collection method: clinical testing. Allele origin: germline.

PreventionGenetics, part of Exact Sciences
Classification: Benign for MAP1B-related condition. Last evaluated: 2019-10-28. Review status: no assertion criteria provided. Collection method: clinical testing. Allele origin: germline. Not counted in ClinVar's aggregate classification.
Comment: This variant is classified as benign based on ACMG/AMP sequence variant interpretation guidelines (Richards et al. 2015 PMID: 25741868, with internal and published modifications).